The following is an entry in ClinVar:

NM_000532.5(PCCB):c.950T>A (p.Val317Glu)

Gene: PCCB (propionyl-CoA carboxylase subunit beta; plus strand). Cytogenetic location: 3q22.3.
Variant type: single nucleotide variant.
Coding change: c.950T>A on transcript NM_000532.5 (MANE Select); coding-DNA position 950, T replaced by A.
Protein change: p.Val317Glu; replaces valine 317 with glutamic acid.
Molecular consequence: missense variant.
Genome position (GRCh38, 1-based): chr3:136,301,095, T>A. VCF-style: chr3-136301095-T-A. GRCh37 (hg19) VCF-style: chr3-136019937-T-A.
Other names: c.1010T>A, p.Val337Glu (NM_001178014.2); short protein forms V337E, V317E.
Identifiers: ClinVar variation 1421443 (VCV001421443.5), dbSNP rs762758029, ClinGen allele CA83800589.

ClinVar aggregate classification (germline): Uncertain significance (1 of 4 stars; one submission).

Conditions:
Propionic acidemia (PROP). Also called: GLYCINEMIA, KETOTIC; HYPERGLYCINEMIA WITH KETOACIDOSIS AND LEUKOPENIA; KETOTIC HYPERGLYCINEMIA. Identifiers: Orphanet 35, MedGen C0268579, MONDO:0011628, OMIM 606054, HP:0003571.

Allele frequency attached by ClinVar (database versions not stated): TOPMed 0.00001; gnomAD 0.00003 and 0.00004.
gnomAD v4.1: 45 of 1,613,394 alleles (0.0028%); highest among the groups gnomAD compares: Non-Finnish European, 0.0036%; no homozygotes.

Submission:

Labcorp Genetics (formerly Invitae), Labcorp
Classification: Uncertain significance for Propionic acidemia. Last evaluated: 2022-07-23. Review status: criteria provided, single submitter. Criteria: Invitae Variant Classification Sherloc (09022015). Collection method: clinical testing. Allele origin: germline.
Comment: This sequence change replaces valine, which is neutral and non-polar, with glutamic acid, which is acidic and polar, at codon 317 of the PCCB protein (p.Val317Glu). This variant is present in population databases (rs762758029, gnomAD 0.003%). This variant has not been reported in the literature in individuals affected with PCCB-related conditions. ClinVar contains an entry for this variant (Variation ID: 1421443). Advanced modeling of protein sequence and biophysical properties (such as structural, functional, and spatial information, amino acid conservation, physicochemical variation, residue mobility, and thermodynamic stability) performed at Invitae indicates that this missense variant is not expected to disrupt PCCB protein function. In summary, the available evidence is currently insufficient to determine the role of this variant in disease. Therefore, it has been classified as a Variant of Uncertain Significance.